The following is an entry in ClinVar:

NM_005529.7(HSPG2):c.7438C>T (p.Arg2480Trp)

Gene: HSPG2 (heparan sulfate proteoglycan 2; minus strand). Cytogenetic location: 1p36.12.
Variant type: single nucleotide variant.
Coding change: c.7438C>T on transcript NM_005529.7 (MANE Select); coding-DNA position 7438, C replaced by T.
Protein change: p.Arg2480Trp; replaces arginine 2480 with tryptophan.
Molecular consequence: missense variant.
Genome position (GRCh38, 1-based): chr1:21,850,049, G>A on the plus strand (C>T on the coding strand, the complement: HSPG2 is on the minus strand). VCF-style: chr1-21850049-G-A. GRCh37 (hg19) VCF-style: chr1-22176542-G-A.
Other names: c.7441C>T, p.Arg2481Trp (NM_001291860.2); short protein forms R2480W, R2481W.
Identifiers: ClinVar variation 198007 (VCV000198007.22), dbSNP rs143437991, ClinGen allele CA246472.

ClinVar aggregate classification (germline): Conflicting classifications of pathogenicity. Review status: criteria provided, conflicting classifications (1 of 4 stars). 6 submissions from 5 submitters: Uncertain significance (3); Likely benign (3). Last evaluated 2025-11-23.

Conditions:
Schwartz-Jampel syndrome. Also called: Myotonic myopathy dwarfism chondrodystrophy and ocular and facial abnormalities. Identifiers: Orphanet 800, MedGen C0036391, MONDO:0009717.
Lethal Kniest-like syndrome (DDSH). Also called: Dyssegmental Dysplasia. Identifiers: Orphanet 1865, MedGen C1857100, MONDO:0009140, OMIM 224410.

Allele frequency attached by ClinVar (database versions not stated): gnomAD 0.00016 and 0.00029; ExAC 0.00058; TOPMed 0.00067; 1000 Genomes Project 30x 0.00094; 1000 Genomes Project 0.00100.
gnomAD v4.1: 418 of 1,613,134 alleles (0.026%); highest among the groups gnomAD compares: East Asian, 0.61%; 3 homozygotes.

Submissions (6):

Labcorp Genetics (formerly Invitae), Labcorp
Classification: Likely benign. Last evaluated: 2025-11-23. Review status: criteria provided, single submitter. Criteria: Invitae Variant Classification Sherloc (09022015). Collection method: clinical testing. Allele origin: germline.

Revvity Omics, Revvity
Classification: Uncertain significance. Last evaluated: 2019-02-14. Review status: criteria provided, single submitter. Criteria: ACMG Guidelines, 2015. Collection method: clinical testing. Allele origin: germline.

Illumina Laboratory Services, Illumina
Classification: Likely benign for Schwartz-Jampel syndrome type 1. Last evaluated: 2018-01-12. Review status: criteria provided, single submitter. Criteria: ICSL Variant Classification Criteria 13 December 2019. Collection method: clinical testing. Allele origin: germline.
Comment: This variant was observed in the ICSL laboratory as part of a predisposition screen in an ostensibly healthy population. It had not been previously curated by ICSL or reported in the Human Gene Mutation Database (HGMD: prior to June 1st, 2018), and was therefore a candidate for classification through an automated scoring system. Utilizing variant allele frequency, disease prevalence and penetrance estimates, and inheritance mode, an automated score was calculated to assess if this variant is too frequent to cause the disease. Based on the score and internal cut-off values, a variant classified as likely benign is not then subjected to further curation. The score for this variant resulted in a classification of likely benign for this disease.

Illumina Laboratory Services, Illumina
Classification: Likely benign for Lethal Kniest-like syndrome. Last evaluated: 2018-01-12. Review status: criteria provided, single submitter. Criteria: ICSL Variant Classification Criteria 13 December 2019. Collection method: clinical testing. Allele origin: germline.
Comment: the same text as in the submission from Illumina Laboratory Services, Illumina above.

Eurofins Ntd Llc (ga)
Classification: Uncertain significance. Last evaluated: 2014-10-21. Review status: criteria provided, single submitter. Criteria: EGL Classification Definitions 2015. Collection method: clinical testing. Allele origin: germline. Observed: 1 variant allele, 1 heterozygote.

Neuberg Centre For Genomic Medicine, NCGM
Classification: Uncertain significance for Lethal Kniest-like syndrome. Review status: criteria provided, single submitter. Criteria: ACMG Guidelines, 2015. Collection method: clinical testing. Allele origin: germline. Inheritance: Autosomal recessive inheritance. Affected: yes.
Comment: The missense variant in c.7441C>T (p.Arg2481Trp) in HSPG2 gene has not been reported previously as a pathogenic variant nor as a benign variant, to our knowledge. This variant has been reported to the ClinVar database as Uncertain Significance. The p.Arg2481Trp variant is novel (not in any individuals) in 1000 Genomes and allele frequency of 0.06034% is reported in gnomAD. The amino acid Arg at position 2481 is changed to a Trp changing protein sequence and it might alter its composition and physico-chemical properties. The variant is predicted to be damaging by SIFT and the residue is conserved across species. The amino acid change p.Arg2481Trp in HSPG2 is predicted as conserved by GERP++ and PhyloP across 100 vertebrates. For these reasons, this variant has been classified as Uncertain Significance .